The following is an entry in ClinVar:

NM_012463.4(ATP6V0A2):c.2054G>A (p.Arg685Gln)

Gene: ATP6V0A2 (ATPase H+ transporting V0 subunit a2; plus strand). Cytogenetic location: 12q24.31.
Variant type: single nucleotide variant.
Coding change: c.2054G>A on transcript NM_012463.4 (MANE Select); coding-DNA position 2054, G replaced by A.
Protein change: p.Arg685Gln; replaces arginine 685 with glutamine.
Molecular consequence: missense variant.
Genome position (GRCh38, 1-based): chr12:123,751,228, G>A. VCF-style: chr12-123751228-G-A. GRCh37 (hg19) VCF-style: chr12-124235775-G-A.
Other names: short protein forms R685Q.
Identifiers: ClinVar variation 235276 (VCV000235276.19), dbSNP rs7969410, ClinGen allele CA6862103.
Genomic context (GRCh38, chr12:123,751,228, plus strand): 5'-TGGGAAAGCCACTGTTTTTGTTGTGGCTTCACAATGGGCGTAGTTGCTTCGGGGTGAACC[G>A]GGTAAGTGCGGGTTTGGATGCATTTACAACTGTGAGCAAAGCTTGCTTTCGGTTATACAA-3'
Protein context (NP_036595.2, residues 675-695): HNGRSCFGVN[Arg685Gln]SGYTLIRKDS

ClinVar aggregate classification (germline): Benign/Likely benign. Review status: criteria provided, multiple submitters, no conflicts (2 of 4 stars). 6 submissions from 6 submitters: Benign (3); Likely benign (2). 1 of the submissions does not count toward it. Last evaluated 2026-02-02.

Conditions:
ATP6V0A2-related disorder. Also called: ATP6V0A2-related condition.
ALG9 congenital disorder of glycosylation (CDG1L). Also called: CDG Il; ALG9-CDG; CONGENITAL DISORDER OF GLYCOSYLATION, TYPE Il. Identifiers: Orphanet 79328, MedGen C2931006, MONDO:0012117, OMIM 608776.
Cutis laxa with osteodystrophy (ARCL2A). Also called: CUTIS LAXA WITH BONE DYSTROPHY; CUTIS LAXA WITH GROWTH AND DEVELOPMENTAL DELAY; CUTIS LAXA WITH JOINT LAXITY AND RETARDED DEVELOPMENT; Autosomal recessive cutis laxa type 2A; Debré-Type Cutis Laxa; CUTIS LAXA WITH CONGENITAL DISORDER OF GLYCOSYLATION. Identifiers: Orphanet 357058, MedGen C0268355, MONDO:0018163, OMIM 219200. Disease mechanism: loss of function.

Allele frequency attached by ClinVar (database versions not stated): gnomAD exomes 0.00068 and 0.00208; ExAC 0.00235; gnomAD 0.00675 and 0.00727; ESP Exome Variant Server 0.00746; TOPMed 0.00790; 1000 Genomes Project 30x 0.00828; 1000 Genomes Project 0.00859.
gnomAD v4.1: 2,074 of 1,614,140 alleles (0.13%); highest among the groups gnomAD compares: African/African-American, 2.3%; 16 homozygotes.

Submissions (6):

Labcorp Genetics (formerly Invitae), Labcorp
Classification: Benign for ALG9 congenital disorder of glycosylation. Last evaluated: 2026-02-02. Review status: criteria provided, single submitter. Criteria: Invitae Variant Classification Sherloc (09022015). Collection method: clinical testing. Allele origin: germline.

Illumina Laboratory Services, Illumina
Classification: Benign for Cutis laxa with osteodystrophy. Last evaluated: 2017-04-27. Review status: criteria provided, single submitter. Criteria: ICSL Variant Classification Criteria 13 December 2019. Collection method: clinical testing. Allele origin: germline.
Comment: This variant was observed as part of a predisposition screen in an ostensibly healthy population. A literature search was performed for the gene, cDNA change, and amino acid change (where applicable). No publications were found based on this search. Allele frequency data from public databases was too high to be consistent with this variant causing disease. Therefore, this variant is classified as benign.

GeneDx
Classification: Benign. Last evaluated: 2016-07-11. Review status: criteria provided, single submitter. Criteria: GeneDx Variant Classification (06012015). Collection method: clinical testing. Allele origin: germline. Affected: yes.
Comment: This variant is considered likely benign or benign based on one or more of the following criteria: it is a conservative change, it occurs at a poorly conserved position in the protein, it is predicted to be benign by multiple in silico algorithms, and/or has population frequency not consistent with disease.

Center for Pediatric Genomic Medicine, Children's Mercy Hospital and Clinics
Classification: Likely benign. Last evaluated: 2015-04-20. Review status: criteria provided, single submitter. Criteria: ACMG Guidelines, 2015. Collection method: clinical testing. Allele origin: germline.
ClinVar note: Converted during submission from Likely Benign to Likely benign.

Breakthrough Genomics
Classification: Likely benign. Review status: criteria provided, single submitter. Criteria: ACMG Guidelines, 2015. Collection method: not provided. Allele origin: germline. Inheritance: Autosomal recessive inheritance. Affected: yes.

PreventionGenetics, part of Exact Sciences
Classification: Benign for ATP6V0A2-related condition. Last evaluated: 2019-07-18. Review status: no assertion criteria provided. Collection method: clinical testing. Allele origin: germline. Not counted in ClinVar's aggregate classification.
Comment: This variant is classified as benign based on ACMG/AMP sequence variant interpretation guidelines (Richards et al. 2015 PMID: 25741868, with internal and published modifications).